The following is an entry in ClinVar:

ClinVar aggregate classification (germline): Uncertain significance (1 of 4 stars; one submission).

Conditions:
Microcephaly 5, primary, autosomal recessive (MCPH5). Also called: ASPM Primary Microcephaly. Identifiers: Orphanet 2512, MedGen C1837501, MONDO:0012106, OMIM 608716.

Submission:

3billion
Classification: Uncertain significance for Microcephaly 5, primary, autosomal recessive. Last evaluated: 2025-07-14. Review status: criteria provided, single submitter. Criteria: ACMG Guidelines, 2015. Collection method: clinical testing. Allele origin: germline. Affected: yes.
Comment: The variant is not observed in the gnomAD v4.1.0 dataset. Predicted Consequence/Location: Missense variant. The majority of the known disease-causing variants of this gene are variants expected to result in premature termination of the protein. In silico tools predict the variant to alter splicing and produce an abnormal transcript [SpliceAI: 0.91 (>=0.2, moderate evidence for spliceogenicity)]. Therefore, this variant is classified as VUS according to the recommendation of ACMG/AMP guideline.

NM_018136.5(ASPM):c.3869A>G (p.Gln1290Arg)

Gene: ASPM (assembly factor for spindle microtubules; minus strand). Cytogenetic location: 1q31.3.
Variant type: single nucleotide variant.
Coding change: c.3869A>G on transcript NM_018136.5 (MANE Select); coding-DNA position 3869, A replaced by G.
Protein change: p.Gln1290Arg; replaces glutamine 1290 with arginine.
Molecular consequence: missense variant.
Genome position (GRCh38, 1-based): chr1:197,121,916, T>C on the plus strand (A>G on the coding strand, the complement: ASPM is on the minus strand). VCF-style: chr1-197121916-T-C. GRCh37 (hg19) VCF-style: chr1-197091046-T-C.
Other names: c.3869A>G, p.Gln1290Arg (NM_001206846.2); short protein forms Q1290R.
Identifiers: ClinVar variation 4855080 (VCV004855080.1).